The following is an entry in ClinVar:

NM_000603.5(NOS3):c.582+5G>A

Gene: NOS3 (nitric oxide synthase 3; plus strand). Cytogenetic location: 7q36.1.
Variant type: single nucleotide variant.
Coding change: c.582+5G>A on transcript NM_000603.5 (MANE Select); 5 bases into the intron after coding-DNA position 582, G replaced by A.
Molecular consequence: intron variant.
Genome position (GRCh38, 1-based): chr7:150,996,930, G>A. VCF-style: chr7-150996930-G-A. GRCh37 (hg19) VCF-style: chr7-150694018-G-A.
Other names: c.582+5G>A (NM_001160109.2, NM_001160111.1, NM_001160110.1).
Identifiers: ClinVar variation 4821868 (VCV004821868.4).

ClinVar aggregate classification (germline): Likely benign (1 of 4 stars; one submission).

Submission:

CeGaT Center for Human Genetics Tuebingen
Classification: Likely benign. Last evaluated: 2026-05-01. Review status: criteria provided, single submitter. Criteria: CeGaT Center For Human Genetics Tuebingen Variant Classification Criteria Version 2. Collection method: clinical testing. Allele origin: germline. Affected: yes. Observed: 1 variant allele.
Comment: NOS3: BP4, BS2